The following is an entry in ClinVar:

Single allele

Genes: DMD (dystrophin; minus strand), MIR3915 (microRNA 3915; minus strand). Cytogenetic location: Xp21.1.
Variant type: Duplication.
Identifiers: ClinVar variation 4070907 (VCV004070907.1).

ClinVar aggregate classification (germline): Uncertain significance (1 of 4 stars; one submission).

Conditions:
Progressive muscular dystrophy. Identifiers: Orphanet 206644, MedGen C4551827, MONDO:0016106.

Submission:

Broad Center for Mendelian Genomics, Broad Institute of MIT and Harvard
Classification: Uncertain significance for Progressive muscular dystrophy. Last evaluated: 2025-06-23. Review status: criteria provided, single submitter. Criteria: ACMG/ClinGen CNV Guidelines, 2019. Collection method: research. Allele origin: de novo. Inheritance: Sex-limited autosomal dominant. Affected: yes. Study: GREGoR Consortium.
Comment: The patient phenotype is nonspecific, but is consistent with cases described in the literature and/or published databases with overlapping variants. Two reported male siblings with muscular dystrophy from the literature have a copy-number gain similar in genomic content to the variant in our study (PMID: 2063877). This variant is an in-frame duplication of five exons and is presumed to be in tandem, and is therefore more likely to escape nonsense mediated decay (NMD). Heterozygous loss of function of the DMD gene is an established disease mechanism in progressive muscular dystrophy. In summary, the clinical significance of the exon 14-18 duplication variant is uncertain. The ACMG/ClinGen evidence codes and points used in this curation are as follows: 1: 0 points, 2: 0 points, 3: 0 points, 4-5: 0.30 points; Total: 0.30 points; Riggs 2020 (PMID: 31690835).

Literature cited by the submitters: PubMed 2063877.